The following is an entry in ClinVar:

NM_000038.6(APC):c.7017T>C (p.Pro2339=)

Gene: APC (APC regulator of Wnt signaling pathway; plus strand). Cytogenetic location: 5q22.2.
Variant type: single nucleotide variant.
Coding change: c.7017T>C on transcript NM_000038.6 (MANE Select); coding-DNA position 7017, T replaced by C.
Protein change: p.Pro2339=; no amino-acid change (proline 2339 retained).
Molecular consequence: synonymous variant.
Genome position (GRCh38, 1-based): chr5:112,842,611, T>C. VCF-style: chr5-112842611-T-C. GRCh37 (hg19) VCF-style: chr5-112178308-T-C.
Other names: c.7017T>C, p.Pro2339= (NM_001127510.3, NM_001354895.2); c.6963T>C, p.Pro2321= (NM_001127511.3); c.7071T>C, p.Pro2357= (NM_001354896.2); c.7047T>C, p.Pro2349= (NM_001354897.2); c.6942T>C, p.Pro2314= (NM_001354898.2); c.6933T>C, p.Pro2311= (NM_001354899.2); c.6894T>C, p.Pro2298= (NM_001354900.2); c.6840T>C, p.Pro2280= (NM_001354901.2); and 5 more.
Identifiers: ClinVar variation 385785 (VCV000385785.16), dbSNP rs761268806, ClinGen allele CA046640.

ClinVar aggregate classification (germline): Benign/Likely benign. Review status: criteria provided, multiple submitters, no conflicts (2 of 4 stars). 4 submissions from 4 submitters: Benign (1); Likely benign (3). Last evaluated 2026-01-11.

Conditions:
Hereditary cancer-predisposing syndrome. Also called: Hereditary Cancer Syndrome; Hereditary neoplastic syndrome; Neoplastic Syndromes, Hereditary; Tumor predisposition. Identifiers: Orphanet 140162, MedGen C0027672, MeSH D009386, MONDO:0015356.
Familial adenomatous polyposis 1 (FAP1). Also called: FAMILIAL ADENOMATOUS POLYPOSIS 1, ATTENUATED; POLYPOSIS, ADENOMATOUS INTESTINAL. Identifiers: MedGen C2713442, MONDO:0021056, OMIM 175100. Disease mechanism: loss of function.

Allele frequency attached by ClinVar (database versions not stated): gnomAD exomes below 0.00001; ExAC 0.00001.

Submissions (4):

Labcorp Genetics (formerly Invitae), Labcorp
Classification: Likely benign for Familial adenomatous polyposis 1. Last evaluated: 2026-01-11. Review status: criteria provided, single submitter. Criteria: Invitae Variant Classification Sherloc (09022015). Collection method: clinical testing. Allele origin: germline.

Myriad Genetics, Inc.
Classification: Benign for Familial adenomatous polyposis 1. Last evaluated: 2024-04-08. Review status: criteria provided, single submitter. Criteria: Myriad Autosomal Dominant, Autosomal Recessive and X-Linked Classification Criteria (2023). Collection method: clinical testing. Allele origin: unknown.
Comment: This variant is considered benign. This variant is a silent/synonymous amino acid change and it is not expected to impact splicing.

Ambry Genetics
Classification: Likely benign for Hereditary cancer-predisposing syndrome. Last evaluated: 2019-01-03. Review status: criteria provided, single submitter. Criteria: Ambry Variant Classification Scheme 2023. Collection method: clinical testing. Allele origin: germline.

GeneDx
Classification: Likely benign. Last evaluated: 2016-04-25. Review status: criteria provided, single submitter. Criteria: GeneDx Variant Classification (06012015). Collection method: clinical testing. Allele origin: germline. Affected: yes.
Comment: This variant is considered likely benign or benign based on one or more of the following criteria: it is a conservative change, it occurs at a poorly conserved position in the protein, it is predicted to be benign by multiple in silico algorithms, and/or has population frequency not consistent with disease.